The following is an entry in ClinVar:

ClinVar aggregate classification (germline): Likely pathogenic (1 of 4 stars; one submission).

Submission:

CeGaT Center for Human Genetics Tuebingen
Classification: Likely pathogenic. Last evaluated: 2026-01-01. Review status: criteria provided, single submitter. Criteria: CeGaT Center For Human Genetics Tuebingen Variant Classification Criteria Version 2. Collection method: clinical testing. Allele origin: germline. Affected: yes. Observed: 1 variant allele.
Comment: GRIN2A: PVS1:Strong, PM2

NM_001134407.3(GRIN2A):c.3096_3097del (p.Gln1033fs)

Gene: GRIN2A (glutamate ionotropic receptor NMDA type subunit 2A; minus strand). Cytogenetic location: 16p13.2.
Variant type: Deletion.
Coding change: c.3096_3097del on transcript NM_001134407.3 (MANE Select); coding-DNA positions 3096 to 3097, 2 bases deleted (CC; older notation c.3096_3097delCC).
Protein change: p.Gln1033fs; shifts the reading frame from glutamine 1033.
Molecular consequence: frameshift variant.
Genome position (GRCh38, 1-based): chr16:9,764,447-9,764,448, GG deleted on the plus strand (CC on the coding strand, the reverse complement: GRIN2A is on the minus strand); deleting any 2 consecutive bases within chr16:9,764,447-9,764,449 gives the same sequence; the c. name uses the placement nearest the transcript's 3' end. VCF-style (leftmost placement, unchanged base first): chr16-9764446-TGG-T. GRCh37 (hg19) VCF-style: chr16-9858303-TGG-T.
Other names: c.3096_3097del, p.Gln1033fs (NM_000833.5, NM_001134408.2); short protein forms Q1033fs.
Identifiers: ClinVar variation 4822869 (VCV004822869.4).